The following is an entry in ClinVar:

NM_000156.6(GAMT):c.522G>T (p.Trp174Cys)

Gene: GAMT (guanidinoacetate N-methyltransferase; minus strand). Cytogenetic location: 19p13.3.
Variant type: single nucleotide variant.
Coding change: c.522G>T on transcript NM_000156.6 (MANE Select); coding-DNA position 522, G replaced by T.
Protein change: p.Trp174Cys; replaces tryptophan 174 with cysteine.
Molecular consequence: missense variant.
Genome position (GRCh38, 1-based): chr19:1,398,964, C>A on the plus strand (G>T on the coding strand, the complement: GAMT is on the minus strand). VCF-style: chr19-1398964-C-A. GRCh37 (hg19) VCF-style: chr19-1398963-C-A.
Other names: c.522G>T, p.Trp174Cys (NM_138924.3); short protein forms W174C.
Identifiers: ClinVar variation 1746223 (VCV001746223.26), dbSNP rs370421531, ClinGen allele CA402994362.

ClinVar aggregate classification (germline): Uncertain significance. Review status: criteria provided, multiple submitters, no conflicts (2 of 4 stars). 2 submissions from 2 submitters: Uncertain significance (2). Last evaluated 2024-02-05.

Conditions:
Inborn genetic diseases. Identifiers: MedGen C0950123, MeSH D030342.

Submissions (2):

Ambry Genetics
Classification: Uncertain significance for Inborn genetic diseases. Last evaluated: 2024-02-05. Review status: criteria provided, single submitter. Criteria: Ambry Variant Classification Scheme 2023. Collection method: clinical testing. Allele origin: germline.
Comment: The p.W174C variant (also known as c.522G>T), located in coding exon 5 of the GAMT gene, results from a G to T substitution at nucleotide position 522. The tryptophan at codon 174 is replaced by cysteine, an amino acid with highly dissimilar properties. This amino acid position is highly conserved in available vertebrate species. In addition, this alteration is predicted to be deleterious by in silico analysis. Since supporting evidence is limited at this time, the clinical significance of this alteration remains unclear.

CeGaT Center for Human Genetics Tuebingen
Classification: Uncertain significance. Last evaluated: 2023-07-01. Review status: criteria provided, single submitter. Criteria: CeGaT Center For Human Genetics Tuebingen Variant Classification Criteria Version 2. Collection method: clinical testing. Allele origin: germline. Affected: yes. Observed: 1 variant allele.
Comment: GAMT: PM2, PP3